The following is an entry in ClinVar:

ClinVar aggregate classification (germline): Uncertain significance. Review status: criteria provided, multiple submitters, no conflicts (2 of 4 stars). 4 submissions from 4 submitters: Uncertain significance (4). Last evaluated 2025-11-08.

Conditions:
Inborn genetic diseases. Identifiers: MedGen C0950123, MeSH D030342.

Allele frequency attached by ClinVar (database versions not stated): TOPMed 0.00011; 1000 Genomes Project 30x 0.00016; gnomAD exomes 0.00002; ExAC 0.00003; 1000 Genomes Project 0.00020; gnomAD 0.00003.
gnomAD v4.1: 39 of 1,614,098 alleles (0.0024%); highest among the groups gnomAD compares: Admixed American, 0.045%; no homozygotes.

Submissions (4):

Ambry Genetics
Classification: Uncertain significance for Inborn genetic diseases. Last evaluated: 2025-11-08. Review status: criteria provided, single submitter. Criteria: Ambry Variant Classification Scheme 2023. Collection method: clinical testing. Allele origin: germline.

Labcorp Genetics (formerly Invitae), Labcorp
Classification: Uncertain significance. Last evaluated: 2025-01-06. Review status: criteria provided, single submitter. Criteria: Invitae Variant Classification Sherloc (09022015). Collection method: clinical testing. Allele origin: germline.
Comment: This sequence change replaces methionine, which is neutral and non-polar, with threonine, which is neutral and polar, at codon 384 of the IARS2 protein (p.Met384Thr). This variant is present in population databases (rs182541053, gnomAD 0.01%). This variant has not been reported in the literature in individuals affected with IARS2-related conditions. ClinVar contains an entry for this variant (Variation ID: 235594). An algorithm developed to predict the effect of missense changes on protein structure and function (PolyPhen-2) suggests that this variant¬†is likely to be tolerated. In summary, the available evidence is currently insufficient to determine the role of this variant in disease. Therefore, it has been classified as a Variant of Uncertain Significance.

GeneDx
Classification: Uncertain significance. Last evaluated: 2021-09-08. Review status: criteria provided, single submitter. Criteria: GeneDx Variant Classification Process June 2021. Collection method: clinical testing. Allele origin: germline. Affected: yes.
Comment: Has not been previously published as pathogenic or benign to our knowledge; Not observed at significant frequency in large population cohorts (Lek et al., 2016); In silico analysis supports that this missense variant does not alter protein structure/function; This variant is associated with the following publications: (PMID: 27535533)

Center for Pediatric Genomic Medicine, Children's Mercy Hospital and Clinics
Classification: Uncertain significance. Last evaluated: 2016-02-02. Review status: criteria provided, single submitter. Criteria: ACMG Guidelines, 2015. Collection method: clinical testing. Allele origin: germline.
ClinVar note: Converted during submission from Uncertain Significance to Uncertain significance.

NM_018060.4(IARS2):c.1151T>C (p.Met384Thr)

Gene: IARS2 (isoleucyl-tRNA synthetase 2, mitochondrial; plus strand). Cytogenetic location: 1q41.
Variant type: single nucleotide variant.
Coding change: c.1151T>C on transcript NM_018060.4 (MANE Select); coding-DNA position 1151, T replaced by C.
Protein change: p.Met384Thr; replaces methionine 384 with threonine.
Molecular consequence: missense variant.
Genome position (GRCh38, 1-based): chr1:220,105,975, T>C. VCF-style: chr1-220105975-T-C. GRCh37 (hg19) VCF-style: chr1-220279317-T-C.
Other names: short protein forms M384T.
Identifiers: ClinVar variation 235594 (VCV000235594.11), dbSNP rs182541053, ClinGen allele CA1401329.
Genomic context (GRCh38, chr1:220,105,975, plus strand): 5'-GCAGTCATCCATTAATTCCTGATAAAGCCTCTCCTCTTTTACCTGCAAATCATGTGACCA[T>C]GGCAAAAGGAACGGGATTGGTTCACACAGCCCCAGCTCATGGTATGGAAGACTACGGTGT-3'
Protein context (NP_060530.3, residues 374-394): SPLLPANHVT[Met384Thr]AKGTGLVHTA